The following is an entry in ClinVar:

NM_004714.3(DYRK1B):c.1503G>A (p.Glu501=)

Gene: DYRK1B (dual specificity tyrosine phosphorylation regulated kinase 1B; minus strand). Cytogenetic location: 19q13.2.
Variant type: single nucleotide variant.
Coding change: c.1503G>A on transcript NM_004714.3 (MANE Select); coding-DNA position 1503, G replaced by A.
Protein change: p.Glu501=; no amino-acid change (glutamic acid 501 retained).
Molecular consequence: synonymous variant.
Genome position (GRCh38, 1-based): chr19:39,826,195, C>T on the plus strand (G>A on the coding strand, the complement: DYRK1B is on the minus strand). VCF-style: chr19-39826195-C-T. GRCh37 (hg19) VCF-style: chr19-40316835-C-T.
Other names: c.1383G>A, p.Glu461= (NM_006483.3); c.1419G>A, p.Glu473= (NM_006484.3).
Identifiers: ClinVar variation 725964 (VCV000725964.11), dbSNP rs376532410, ClinGen allele CA9434009.

ClinVar aggregate classification (germline): Likely benign. Review status: criteria provided, single submitter (1 of 4 stars). 2 submissions from 2 submitters: Likely benign (1). 1 of the submissions does not count toward it. Last evaluated 2025-12-02.

Conditions:
DYRK1B-related disorder. Also called: DYRK1B-related condition.

Allele frequency attached by ClinVar (database versions not stated): ESP Exome Variant Server 0.00008; TOPMed 0.00009; gnomAD exomes 0.00010 and 0.00019; gnomAD 0.00011 and 0.00016; ExAC 0.00016; 1000 Genomes Project 0.00020; 1000 Genomes Project 30x 0.00031.

Submissions (2):

Labcorp Genetics (formerly Invitae), Labcorp
Classification: Likely benign. Last evaluated: 2025-12-02. Review status: criteria provided, single submitter. Criteria: Invitae Variant Classification Sherloc (09022015). Collection method: clinical testing. Allele origin: germline.

PreventionGenetics, part of Exact Sciences
Classification: Likely benign for DYRK1B-related condition. Last evaluated: 2022-06-15. Review status: no assertion criteria provided. Collection method: clinical testing. Allele origin: germline. Not counted in ClinVar's aggregate classification.
Comment: This variant is classified as likely benign based on ACMG/AMP sequence variant interpretation guidelines (Richards et al. 2015 PMID: 25741868, with internal and published modifications).